The following is an entry in ClinVar:

NM_020184.4(CNNM4):c.2230G>A (p.Ala744Thr)

Gene: CNNM4 (cyclin and CBS domain divalent metal cation transport mediator 4; plus strand). Cytogenetic location: 2q11.2.
Variant type: single nucleotide variant.
Coding change: c.2230G>A on transcript NM_020184.4 (MANE Select); coding-DNA position 2230, G replaced by A.
Protein change: p.Ala744Thr; replaces alanine 744 with threonine.
Molecular consequence: missense variant.
Genome position (GRCh38, 1-based): chr2:96,809,419, G>A. VCF-style: chr2-96809419-G-A. GRCh37 (hg19) VCF-style: chr2-97475156-G-A.
Other names: short protein forms A744T.
Identifiers: ClinVar variation 1026571 (VCV001026571.9), dbSNP rs761733539, ClinGen allele CA1783617.
Genomic context (GRCh38, chr2:96,809,419, plus strand): 5'-CGCATGGAGAACAGCCCTCAGTTTCCCATAGACGGGTGCACCACCCACATGGAGAACTTG[G>A]CCGAGAAGTCTGAGCTGCCTGTGGTGGACGAGACCACAACTCTTCTCAACGAGCGTAACT-3'
Protein context (NP_064569.3, residues 734-754): DGCTTHMENL[Ala744Thr]EKSELPVVDE

ClinVar aggregate classification (germline): Uncertain significance (1 of 4 stars; one submission).

Allele frequency attached by ClinVar (database versions not stated): gnomAD exomes below 0.00001 and 0.00001; gnomAD 0.00001; TOPMed 0.00001; ExAC 0.00002.

Submission:

Labcorp Genetics (formerly Invitae), Labcorp
Classification: Uncertain significance. Last evaluated: 2022-02-23. Review status: criteria provided, single submitter. Criteria: Invitae Variant Classification Sherloc (09022015). Collection method: clinical testing. Allele origin: germline.
Comment: This sequence change replaces alanine, which is neutral and non-polar, with threonine, which is neutral and polar, at codon 744 of the CNNM4 protein (p.Ala744Thr). This variant is present in population databases (rs761733539, gnomAD 0.02%). This variant has not been reported in the literature in individuals affected with CNNM4-related conditions. ClinVar contains an entry for this variant (Variation ID: 1026571). Algorithms developed to predict the effect of missense changes on protein structure and function output the following: SIFT: "Tolerated"; PolyPhen-2: "Benign"; Align-GVGD: "Class C0". The threonine amino acid residue is found in multiple mammalian species, which suggests that this missense change does not adversely affect protein function. In summary, the available evidence is currently insufficient to determine the role of this variant in disease. Therefore, it has been classified as a Variant of Uncertain Significance.